The following is an entry in ClinVar:

ClinVar aggregate classification (germline): Uncertain significance (1 of 4 stars; one submission).

Conditions:
Inborn genetic diseases. Identifiers: MedGen C0950123, MeSH D030342.

gnomAD v4.1: 1 of 1,614,170 alleles (0.000062%); highest among the groups gnomAD compares: South Asian, 0.0011%; no homozygotes.

Submission:

Ambry Genetics
Classification: Uncertain significance for Inborn genetic diseases. Last evaluated: 2026-04-25. Review status: criteria provided, single submitter. Criteria: Ambry Variant Classification Scheme 2023. Collection method: clinical testing. Allele origin: germline.
Comment: The p.K450R variant (also known as c.1349A>G), located in coding exon 12 of the ASXL1 gene, results from an A to G substitution at nucleotide position 1349. The lysine at codon 450 is replaced by arginine, an amino acid with highly similar properties. This amino acid position is conserved. In addition, this alteration is predicted to be tolerated by in silico analysis. Based on the available evidence, the clinical significance of this variant remains unclear.

NM_015338.6(ASXL1):c.1349A>G (p.Lys450Arg)

Gene: ASXL1 (ASXL transcriptional regulator 1; plus strand). Cytogenetic location: 20q11.21.
Variant type: single nucleotide variant.
Coding change: c.1349A>G on transcript NM_015338.6 (MANE Select); coding-DNA position 1349, A replaced by G.
Protein change: p.Lys450Arg; replaces lysine 450 with arginine.
Molecular consequence: missense variant.
Genome position (GRCh38, 1-based): chr20:32,433,547, A>G. VCF-style: chr20-32433547-A-G. GRCh37 (hg19) VCF-style: chr20-31021350-A-G.
Other names: c.1166A>G, p.Lys389Arg (NM_001363734.1); short protein forms K389R, K450R.
Identifiers: ClinVar variation 4864379 (VCV004864379.1).